The following is an entry in ClinVar:

ClinVar aggregate classification (germline): Uncertain significance (1 of 4 stars; one submission).

Conditions:
Intellectual developmental disorder, X-linked 90. Also called: DLG3-Related X-Linked Nonsyndromic Mental Retardation; Intellectual disability, X-linked 90. Identifiers: Orphanet 777, MedGen C3275443, MONDO:0010452, OMIM 300850.

Submission:

Equipe Genetique des Anomalies du Developpement, Université de Bourgogne
Classification: Uncertain significance for Intellectual developmental disorder, X-linked 90. Last evaluated: 2025-01-31. Review status: criteria provided, single submitter. Criteria: ACMG Guidelines, 2015. Collection method: curation. Allele origin: germline. Affected: yes.
Comment: Literature review. This variant is a missense which replaces an arginine with a glutamine at position 756. Hemizygous pathogenic variants in DLG3 are reported in an autosomal dominant intellectual disability (OMIM #300850). This variant is present in 2 male individuals in gnomAD (v4.1.0). It has not been reported in ClinVar and was reported in the literature (preprint by Alagoz et al., 2021). Based on these evidences, the variant was classified as of uncertain significance.

Literature cited by the submitters: DOI 10.21203/rs.3.rs-692598/v1.

NM_021120.4(DLG3):c.2267G>A (p.Arg756Gln)

Gene: DLG3 (discs large MAGUK scaffold protein 3; plus strand). Cytogenetic location: Xq13.1.
Variant type: single nucleotide variant.
Coding change: c.2267G>A on transcript NM_021120.4 (MANE Select); coding-DNA position 2267, G replaced by A.
Protein change: p.Arg756Gln; replaces arginine 756 with glutamine.
Molecular consequence: missense variant.
Genome position (GRCh38, 1-based): chrX:70,500,909, G>A. VCF-style: chrX-70500909-G-A. GRCh37 (hg19) VCF-style: chrX-69720759-G-A.
Other names: c.914G>A, p.Arg305Gln (NM_001166278.2); c.1352G>A, p.Arg451Gln (NM_020730.3); short protein forms R305Q, R451Q, R756Q.
Identifiers: ClinVar variation 3770154 (VCV003770154.1).
Genomic context (GRCh38, chrX:70,500,909, plus strand): 5'-TCAGAACATAAGATCTGGTTCAGAACTATTTTTCTTCTGTCTTTGGCAGGGAAATGAACC[G>A]AAGGCAGACATATGAACAAGCAAATAAGATCTATGACAAAGCCATGAAACTGGAGCAGGA-3'
Protein context (NP_066943.2, residues 746-766): KSIEALMEMN[Arg756Gln]RQTYEQANKI